The following is an entry in ClinVar:

NM_078480.3(PUF60):c.505C>T (p.His169Tyr)

Gene: PUF60 (poly(U) binding splicing factor 60; minus strand). Cytogenetic location: 8q24.3.
Variant type: single nucleotide variant.
Coding change: c.505C>T on transcript NM_078480.3 (MANE Select); coding-DNA position 505, C replaced by T.
Protein change: p.His169Tyr; replaces histidine 169 with tyrosine.
Molecular consequence: missense variant.
Genome position (GRCh38, 1-based): chr8:143,818,378, G>A on the plus strand (C>T on the coding strand, the complement: PUF60 is on the minus strand). VCF-style: chr8-143818378-G-A. GRCh37 (hg19) VCF-style: chr8-144900548-G-A.
Other names: c.376C>T, p.His126Tyr (NM_001136033.3); c.451C>T, p.His151Tyr (NM_001271096.2); c.367C>T, p.His123Tyr (NM_001271097.2); c.502C>T, p.His168Tyr (NM_001271098.2); c.418C>T, p.His140Tyr (NM_001271099.2); c.325C>T, p.His109Tyr (NM_001271100.2); c.616C>T, p.His206Tyr (NM_001362895.2, NM_001362896.2); c.565C>T, p.His189Tyr (NM_001362897.2); and 1 more; short protein forms H169Y, H109Y, H189Y, H126Y, H140Y, H151Y, H168Y, H123Y.
Identifiers: ClinVar variation 92112 (VCV000092112.4), dbSNP rs398123001, ClinGen allele CA145503.
Genomic context (GRCh38, chr8:143,818,378, plus strand): 5'-GAGCCCAGGGGTGGGGGCGAGCCCGAAGTGGCCGGGGCGGACCAAGCCTGCTGACCTTGT[G>A]CTTCATGGTGACGGAGTCCCAGGACATGTCGATGCTCTTGATGGGGCCAAAGGGGGCAAA-3'
Protein context (NP_510965.1, residues 159-179): DMSWDSVTMK[His169Tyr]KGFAFVEYEV

ClinVar aggregate classification (germline): Likely pathogenic. Review status: criteria provided, single submitter (1 of 4 stars). 2 submissions from 2 submitters: Likely pathogenic (1). 1 of the submissions does not count toward it. Last evaluated 2021-09-25.

Conditions:
8q24.3 microdeletion syndrome. Also called: Verheij syndrome; CHROMOSOME 8q24.3 DELETION SYNDROME. Identifiers: Orphanet 508488, MedGen C3810023, MONDO:0014263, OMIM 615583.

Submissions (2):

Laboratorio de Genetica e Diagnostico Molecular, Hospital Israelita Albert Einstein
Classification: Likely pathogenic for 8q24.3 microdeletion syndrome. Last evaluated: 2021-09-25. Review status: criteria provided, single submitter. Criteria: ACMG Guidelines, 2015. Collection method: clinical testing. Allele origin: germline. Affected: yes.
Comment: ACMG classification criteria: PS3 supporting, PS4 supporting, PM2 moderate, PM6 supporting, PP2 supporting, PP3 supporting

OMIM
Classification: Pathogenic for VERHEIJ SYNDROME. Last evaluated: 2013-11-07. Review status: no assertion criteria provided. Collection method: literature only. Allele origin: germline. Not counted in ClinVar's aggregate classification.

Literature cited by the submitters: PubMed 24140112 (cited by OMIM).